The following is an entry in ClinVar:

NM_004304.5(ALK):c.3001A>G (p.Ser1001Gly)

Gene: ALK (ALK receptor tyrosine kinase; minus strand). Cytogenetic location: 2p23.2.
Variant type: single nucleotide variant.
Coding change: c.3001A>G on transcript NM_004304.5 (MANE Select); coding-DNA position 3001, A replaced by G.
Protein change: p.Ser1001Gly; replaces serine 1001 with glycine.
Molecular consequence: missense variant.
Genome position (GRCh38, 1-based): chr2:29,226,988, T>C on the plus strand (A>G on the coding strand, the complement: ALK is on the minus strand). VCF-style: chr2-29226988-T-C. GRCh37 (hg19) VCF-style: chr2-29449854-T-C.
Other names: short protein forms S1001G.
Identifiers: ClinVar variation 2966003 (VCV002966003.3), dbSNP rs2148178487, ClinGen allele CA346467667.

ClinVar aggregate classification (germline): Uncertain significance (1 of 4 stars; one submission).

Conditions:
Neuroblastoma, susceptibility to, 3. Also called: ALK-Related Neuroblastic Tumor Susceptibility. Identifiers: Orphanet 635, MedGen C2751681, MONDO:0013083, OMIM 613014.

gnomAD v4.1: 1 of 1,614,216 alleles (0.000062%); no homozygotes.

Submission:

Labcorp Genetics (formerly Invitae), Labcorp
Classification: Uncertain significance for Neuroblastoma, susceptibility to, 3. Last evaluated: 2022-10-27. Review status: criteria provided, single submitter. Criteria: Invitae Variant Classification Sherloc (09022015). Collection method: clinical testing. Allele origin: germline.
Comment: In summary, the available evidence is currently insufficient to determine the role of this variant in disease. Therefore, it has been classified as a Variant of Uncertain Significance. Algorithms developed to predict the effect of missense changes on protein structure and function are either unavailable or do not agree on the potential impact of this missense change (SIFT: "Deleterious"; PolyPhen-2: "Benign"; Align-GVGD: "Class C0"). This variant has not been reported in the literature in individuals affected with ALK-related conditions. This variant is not present in population databases (gnomAD no frequency). This sequence change replaces serine, which is neutral and polar, with glycine, which is neutral and non-polar, at codon 1001 of the ALK protein (p.Ser1001Gly).